The following is an entry in ClinVar:

ClinVar aggregate classification (germline): Likely benign (1 of 4 stars; one submission).

Submission:

CeGaT Center for Human Genetics Tuebingen
Classification: Likely benign. Last evaluated: 2025-08-01. Review status: criteria provided, single submitter. Criteria: CeGaT Center For Human Genetics Tuebingen Variant Classification Criteria Version 2. Collection method: clinical testing. Allele origin: germline. Affected: yes. Observed: 1 variant allele.
Comment: NACAD: BP4, BP7

NM_001146334.2(NACAD):c.1992G>A (p.Thr664=)

Gene: NACAD (NAC alpha domain containing; minus strand). Cytogenetic location: 7p13.
Variant type: single nucleotide variant.
Coding change: c.1992G>A on transcript NM_001146334.2 (MANE Select); coding-DNA position 1992, G replaced by A.
Protein change: p.Thr664=; no amino-acid change (threonine 664 retained).
Molecular consequence: synonymous variant.
Genome position (GRCh38, 1-based): chr7:45,084,188, C>T on the plus strand (G>A on the coding strand, the complement: NACAD is on the minus strand). VCF-style: chr7-45084188-C-T. GRCh37 (hg19) VCF-style: chr7-45123787-C-T.
Identifiers: ClinVar variation 4280973 (VCV004280973.7).